The following is an entry in ClinVar:

NM_000293.3(PHKB):c.-8G>C

Genes: PHKB (phosphorylase kinase regulatory subunit beta; plus strand), LOC130058947 (ATAC-STARR-seq lymphoblastoid silent region 7451; plus strand). Cytogenetic location: 16q12.1.
Variant type: single nucleotide variant.
Coding change: c.-8G>C on transcript NM_000293.3 (MANE Select); 8 bases upstream of the start codon, G replaced by C.
Molecular consequence: 5 prime UTR variant.
Genome position (GRCh38, 1-based): chr16:47,461,343, G>C. VCF-style: chr16-47461343-G-C. GRCh37 (hg19) VCF-style: chr16-47495254-G-C.
Other names: c.-141G>C (NM_001031835.3, NM_001031835.2); c.-8G>C (NM_001363837.1).
Identifiers: ClinVar variation 511596 (VCV000511596.3), dbSNP rs377396658, ClinGen allele CA8040293.

ClinVar aggregate classification (germline): Likely benign. Review status: criteria provided, single submitter (1 of 4 stars). 2 submissions from 2 submitters: Likely benign (1). 1 of the submissions does not count toward it. Last evaluated 2017-09-05.

Conditions:
PHKB-related disorder. Also called: PHKB-related condition.

Allele frequency attached by ClinVar (database versions not stated): ExAC 0.00008; ESP Exome Variant Server 0.00008; gnomAD exomes 0.00009 and 0.00012; gnomAD 0.00011 and 0.00045; 1000 Genomes Project 30x 0.00031; TOPMed 0.00101.
gnomAD v4.1: 240 of 1,606,940 alleles (0.015%); highest among the groups gnomAD compares: Non-Finnish European, 0.015%; 2 homozygotes.

Submissions (2):

GeneDx
Classification: Likely benign. Last evaluated: 2017-09-05. Review status: criteria provided, single submitter. Criteria: GeneDx Variant Classification (06012015). Collection method: clinical testing. Allele origin: germline. Affected: yes.
Comment: This variant is considered likely benign or benign based on one or more of the following criteria: it is a conservative change, it occurs at a poorly conserved position in the protein, it is predicted to be benign by multiple in silico algorithms, and/or has population frequency not consistent with disease.

PreventionGenetics, part of Exact Sciences
Classification: Likely benign for PHKB-related condition. Last evaluated: 2019-08-27. Review status: no assertion criteria provided. Collection method: clinical testing. Allele origin: germline. Not counted in ClinVar's aggregate classification.
Comment: This variant is classified as likely benign based on ACMG/AMP sequence variant interpretation guidelines (Richards et al. 2015 PMID: 25741868, with internal and published modifications).